The following is an entry in ClinVar:

ClinVar aggregate classification (germline): Pathogenic (1 of 4 stars; one submission).

Conditions:
Primary ciliary dyskinesia. Also called: Ciliary dyskinesia. Identifiers: Orphanet 244, MedGen C0008780, MONDO:0016575, HP:0012265.

Submission:

Labcorp Genetics (formerly Invitae), Labcorp
Classification: Pathogenic for Primary ciliary dyskinesia. Last evaluated: 2024-02-24. Review status: criteria provided, single submitter. Criteria: Invitae Variant Classification Sherloc (09022015). Collection method: clinical testing. Allele origin: germline.
Comment: This sequence change creates a premature translational stop signal (p.Trp64Glyfs*4) in the RPGR gene. It is expected to result in an absent or disrupted protein product. Loss-of-function variants in RPGR are known to be pathogenic (PMID: 16055928, 16969763). This variant is not present in population databases (gnomAD no frequency). This variant has not been reported in the literature in individuals affected with RPGR-related conditions. ClinVar contains an entry for this variant (Variation ID: 1996408). Algorithms developed to predict the effect of sequence changes on RNA splicing suggest that this variant may disrupt the consensus splice site. For these reasons, this variant has been classified as Pathogenic.

Literature cited by the submitters: PubMed 16055928; PubMed 16969763.

NM_001034853.2(RPGR):c.189del (p.Trp64fs)

Gene: RPGR (retinitis pigmentosa GTPase regulator; minus strand). Cytogenetic location: Xp11.4.
Variant type: Deletion.
Coding change: c.189del on transcript NM_001034853.2 (MANE Select); coding-DNA position 189, one base deleted (C; older notation c.189delC).
Protein change: p.Trp64fs; shifts the reading frame from tryptophan 64.
Molecular consequence: frameshift variant. On other transcripts: non-coding transcript variant (6).
Genome position (GRCh38, 1-based): chrX:38,322,911, G deleted on the plus strand (C on the coding strand, the reverse complement: RPGR is on the minus strand). VCF-style (leftmost placement, unchanged base first): chrX-38322910-AG-A. GRCh37 (hg19) VCF-style: chrX-38182163-AG-A.
Other names: c.189del, p.Trp64fs (NM_000328.3, NM_001367245.1, NM_001367246.1 and 4 more transcripts); c.219del, p.Trp74fs (NM_001367248.1); short protein forms W64fs, W74fs.
Identifiers: ClinVar variation 1996408 (VCV001996408.4), dbSNP rs2519909495, ClinGen allele CA2580100859.